The following is an entry in ClinVar:

NM_003823.4(TNFRSF6B):c.731C>T (p.Pro244Leu)

Genes: RTEL1-TNFRSF6B (RTEL1-TNFRSF6B readthrough (NMD candidate); plus strand), TNFRSF6B (TNF receptor superfamily member 6b; plus strand). Cytogenetic location: 20q13.33.
Variant type: single nucleotide variant.
Coding change: c.731C>T on transcript NM_003823.4 (MANE Select); coding-DNA position 731, C replaced by T.
Protein change: p.Pro244Leu; replaces proline 244 with leucine.
Molecular consequence: missense variant. On other transcripts: non-coding transcript variant (1).
Genome position (GRCh38, 1-based): chr20:63,698,391, C>T. VCF-style: chr20-63698391-C-T. GRCh37 (hg19) VCF-style: chr20-62329744-C-T.
Other names: short protein forms P244L.
Identifiers: ClinVar variation 1411797 (VCV001411797.6), dbSNP rs561847351, ClinGen allele CA9966582.

ClinVar aggregate classification (germline): Uncertain significance (1 of 4 stars; one submission).

Allele frequency attached by ClinVar (database versions not stated): TOPMed 0.00002; gnomAD 0.00003; gnomAD exomes 0.00003 and 0.00008; ExAC 0.00007; 1000 Genomes Project 30x 0.00016; 1000 Genomes Project 0.00020.
gnomAD v4.1: 52 of 1,603,060 alleles (0.0032%); highest among the groups gnomAD compares: South Asian, 0.019%; 2 homozygotes.

Submission:

Labcorp Genetics (formerly Invitae), Labcorp
Classification: Uncertain significance. Last evaluated: 2025-05-01. Review status: criteria provided, single submitter. Criteria: Invitae Variant Classification Sherloc (09022015). Collection method: clinical testing. Allele origin: germline.
Comment: This sequence change replaces proline, which is neutral and non-polar, with leucine, which is neutral and non-polar, at codon 244 of the TNFRSF6B protein (p.Pro244Leu). This variant is present in population databases (rs561847351, gnomAD 0.03%). This variant has not been reported in the literature in individuals affected with TNFRSF6B-related conditions. ClinVar contains an entry for this variant (Variation ID: 1411797). An algorithm developed to predict the effect of missense changes on protein structure and function outputs the following: PolyPhen-2: "Benign". The leucine amino acid residue is found in multiple mammalian species, which suggests that this missense change does not adversely affect protein function. In summary, the available evidence is currently insufficient to determine the role of this variant in disease. Therefore, it has been classified as a Variant of Uncertain Significance.